The following is an entry in ClinVar:

NM_001135649.3(FOXI3):c.1255G>A (p.Glu419Lys)

Gene: FOXI3 (forkhead box I3; minus strand). Cytogenetic location: 2p11.2.
Variant type: single nucleotide variant.
Coding change: c.1255G>A on transcript NM_001135649.3 (MANE Select); coding-DNA position 1255, G replaced by A.
Protein change: p.Glu419Lys; replaces glutamic acid 419 with lysine.
Molecular consequence: missense variant.
Genome position (GRCh38, 1-based): chr2:88,448,215, C>T on the plus strand (G>A on the coding strand, the complement: FOXI3 is on the minus strand). VCF-style: chr2-88448215-C-T. GRCh37 (hg19) VCF-style: chr2-88747734-C-T.
Other names: short protein forms E419K.
Identifiers: ClinVar variation 4749286 (VCV004749286.1).
Genomic context (GRCh38, chr2:88,448,215, plus strand): 5'-ATCAGCATGTGTGCACGCCTCAGGTGTGCATACTCAAGTCTGAGAGTCTGCTCTACACCT[C>T]GGAGCCCTCTCGGGGGTAGATGAGGCTGTTCACCATGCTAAAGTTGTGGAAAGGGCTGCT-3'
Protein context (NP_001129121.1, residues 409-420): NSLIYPREGS[Glu419Lys]V

ClinVar aggregate classification (germline): Uncertain significance (1 of 4 stars; one submission).

gnomAD v4.1: 21 of 1,551,332 alleles (0.0014%); highest among the groups gnomAD compares: South Asian, 0.0095%; no homozygotes.

Submission:

Labcorp Genetics (formerly Invitae), Labcorp
Classification: Uncertain significance. Last evaluated: 2025-08-15. Review status: criteria provided, single submitter. Criteria: Invitae Variant Classification Sherloc (09022015). Collection method: clinical testing. Allele origin: germline.
Comment: This sequence change replaces glutamic acid, which is acidic and polar, with lysine, which is basic and polar, at codon 419 of the FOXI3 protein (p.Glu419Lys). This variant is present in population databases (rs563474992, gnomAD 0.009%). This variant has not been reported in the literature in individuals affected with FOXI3-related conditions. Experimental studies and prediction algorithms are not available or were not evaluated, and the functional significance of this variant is currently unknown. In summary, the available evidence is currently insufficient to determine the role of this variant in disease. Therefore, it has been classified as a Variant of Uncertain Significance.